The following is an entry in ClinVar:

ClinVar aggregate classification (germline): Uncertain significance (1 of 4 stars; one submission).

gnomAD v4.1: 5 of 1,614,162 alleles (0.00031%); highest among the groups gnomAD compares: African/African-American, 0.0013%; no homozygotes.

Submission:

GeneDx
Classification: Uncertain significance. Last evaluated: 2017-04-20. Review status: criteria provided, single submitter. Criteria: GeneDx Variant Classification (06012015). Collection method: clinical testing. Allele origin: germline. Affected: yes.
Comment: The P895L variant has not beenpublished as pathogenic or been reported as benign to our knowledge. It is not observed in large population cohorts(Lek et al., 2016; 1000 Genomes Consortium et al., 2015; Exome Variant Server). The P895L variant is asemi-conservative amino acid substitution, which may impact secondary protein structure as these residues differ insome properties. Furthermore, although this substitution occurs at a position that is not conserved across species, insilico analysis predicts this variant is probably damaging to the protein structure/function. Nonetheless, this variantlacks observation in a significant number of affected individuals, segregation data, and functional evidence, all ofwhich would further clarify pathogenicity.

NM_001851.6(COL9A1):c.2684C>T (p.Pro895Leu)

Gene: COL9A1 (collagen type IX alpha 1 chain; minus strand). Cytogenetic location: 6q13.
Variant type: single nucleotide variant.
Coding change: c.2684C>T on transcript NM_001851.6 (MANE Select); coding-DNA position 2684, C replaced by T.
Protein change: p.Pro895Leu; replaces proline 895 with leucine.
Molecular consequence: missense variant. On other transcripts: non-coding transcript variant (1).
Genome position (GRCh38, 1-based): chr6:70,216,979, G>A on the plus strand (C>T on the coding strand, the complement: COL9A1 is on the minus strand). VCF-style: chr6-70216979-G-A. GRCh37 (hg19) VCF-style: chr6-70926682-G-A.
Other names: c.1985C>T, p.Pro662Leu (NM_001377289.1); c.1808C>T, p.Pro603Leu (NM_001377290.1); c.1955C>T, p.Pro652Leu (NM_078485.4); short protein forms P895L, P652L, P603L, P662L.
Identifiers: ClinVar variation 426338 (VCV000426338.2), dbSNP rs758916884, ClinGen allele CA364667888.
Genomic context (GRCh38, chr6:70,216,979, plus strand): 5'-AATGCTCGCTGACCAGCCTGCATGGTGCAGGAGGCTGGCTCACAGAAACCGGGAAGCCCA[G>A]GAGGTCCCGGGGGTCCAGGCACTCCAGGAATTCCTGCCACCCCTGGGGGGCCTCGCTCAC-3'
Protein context (NP_001842.3, residues 885-905): IPGVPGPPGP[Pro895Leu]GLPGFCEPAS